The following is an entry in ClinVar:

NM_194454.3(KRIT1):c.2025+1G>T

Gene: KRIT1 (KRIT1 ankyrin repeat containing; minus strand). Cytogenetic location: 7q21.2.
Variant type: single nucleotide variant.
Coding change: c.2025+1G>T on transcript NM_194454.3 (MANE Select); the canonical splice donor site of the intron after coding-DNA position 2025, G replaced by T.
Molecular consequence: splice donor variant.
Genome position (GRCh38, 1-based): chr7:92,213,194, C>A on the plus strand (G>T on the coding strand, the complement: KRIT1 is on the minus strand). VCF-style: chr7-92213194-C-A. GRCh37 (hg19) VCF-style: chr7-91842508-C-A.
Other names: c.2025+1G>T (NM_001350672.1, NM_001350676.1, NM_001350673.1 and 26 more transcripts); c.1881+1G>T (NM_001350669.1, NM_001013406.2, NM_001350670.1); c.1311+1G>T (NM_001350671.1).
Identifiers: ClinVar variation 1999363 (VCV001999363.4), dbSNP rs2535703262, ClinGen allele CA368138961.

ClinVar aggregate classification (germline): Pathogenic (1 of 4 stars; one submission).

Conditions:
Cerebral cavernous malformation (CCM). Also called: Cerebral cavernous malformations; CAVERNOUS ANGIOMA, FAMILIAL; CAVERNOUS ANGIOMATOUS MALFORMATIONS; CEREBRAL CAPILLARY MALFORMATIONS; Cavernous Hemangioma of Brain; Cerebral cavernous hemangioma (type). Identifiers: Orphanet 221061, MedGen C2919945, MONDO:0000820, OMIM 116860, HP:0033522.

Submission:

Labcorp Genetics (formerly Invitae), Labcorp
Classification: Pathogenic for Cerebral cavernous malformation. Last evaluated: 2024-09-14. Review status: criteria provided, single submitter. Criteria: Invitae Variant Classification Sherloc (09022015). Collection method: clinical testing. Allele origin: germline.
Comment: This sequence change affects a donor splice site in intron 18 of the KRIT1 gene. It is expected to disrupt RNA splicing. Variants that disrupt the donor or acceptor splice site typically lead to a loss of protein function (PMID: 16199547), and loss-of-function variants in KRIT1 are known to be pathogenic (PMID: 10508515, 11222804, 12404106, 24689081). This variant is not present in population databases (gnomAD no frequency). Disruption of this splice site has been observed in individuals with cerebral cavernous malformations (PMID: 14755725, 31254430). ClinVar contains an entry for this variant (Variation ID: 1999363). Algorithms developed to predict the effect of sequence changes on RNA splicing suggest that this variant may disrupt the consensus splice site. For these reasons, this variant has been classified as Pathogenic.

Literature cited by the submitters: PubMed 16199547; PubMed 10508515; PubMed 11222804; PubMed 12404106; PubMed 24689081; PubMed 14755725; PubMed 31254430.